The following is an entry in ClinVar:

ClinVar aggregate classification (germline): Uncertain significance (1 of 4 stars; one submission).

Conditions:
Coffin-Siris syndrome 7. Identifiers: MedGen C4747954, MONDO:0054831, OMIM 618027.

Submission:

Genetics and Molecular Pathology, SA Pathology
Classification: Uncertain significance for Coffin-Siris syndrome 7. Last evaluated: 2020-03-26. Review status: criteria provided, single submitter. Criteria: ACMG Guidelines, 2015. Collection method: clinical testing. Allele origin: germline. Inheritance: Autosomal dominant inheritance. Affected: yes.
Comment: The DPF2 c.508G>C variant is classified as VUS (PM2, PP3)

NM_006268.5(DPF2):c.508G>C (p.Glu170Gln)

Gene: DPF2 (double PHD fingers 2; plus strand). Cytogenetic location: 11q13.1.
Variant type: single nucleotide variant.
Coding change: c.508G>C on transcript NM_006268.5 (MANE Select); coding-DNA position 508, G replaced by C.
Protein change: p.Glu170Gln; replaces glutamic acid 170 with glutamine.
Molecular consequence: missense variant.
Genome position (GRCh38, 1-based): chr11:65,343,787, G>C. VCF-style: chr11-65343787-G-C. GRCh37 (hg19) VCF-style: chr11-65111258-G-C.
Other names: c.508G>C, p.Glu170Gln (NM_001330308.2); short protein forms E170Q.
Identifiers: ClinVar variation 1803136 (VCV001803136.1), dbSNP rs1854448694, ClinGen allele CA381251909.